The following is an entry in ClinVar:

NM_005732.4(RAD50):c.2883T>G (p.Ile961Met)

Gene: RAD50 (RAD50 double strand break repair protein; plus strand). Cytogenetic location: 5q31.1.
Variant type: single nucleotide variant.
Coding change: c.2883T>G on transcript NM_005732.4 (MANE Select); coding-DNA position 2883, T replaced by G.
Protein change: p.Ile961Met; replaces isoleucine 961 with methionine.
Molecular consequence: missense variant.
Genome position (GRCh38, 1-based): chr5:132,609,170, T>G. VCF-style: chr5-132609170-T-G. GRCh37 (hg19) VCF-style: chr5-131944862-T-G.
Other names: short protein forms I961M.
Identifiers: ClinVar variation 661916 (VCV000661916.13), dbSNP rs1581004673, ClinGen allele CA360959746.

ClinVar aggregate classification (germline): Uncertain significance. Review status: criteria provided, multiple submitters, no conflicts (2 of 4 stars). 2 submissions from 2 submitters: Uncertain significance (2). Last evaluated 2024-02-02.

Conditions:
Hereditary cancer-predisposing syndrome. Also called: Neoplastic Syndromes, Hereditary; Tumor predisposition; Hereditary neoplastic syndrome; Hereditary Cancer Syndrome. Identifiers: Orphanet 140162, MedGen C0027672, MeSH D009386, MONDO:0015356.

gnomAD v4.1: 1 of 1,611,814 alleles (0.000062%); no homozygotes.

Submissions (2):

Ambry Genetics
Classification: Uncertain significance for Hereditary cancer-predisposing syndrome. Last evaluated: 2024-02-02. Review status: criteria provided, single submitter. Criteria: Ambry Variant Classification Scheme 2023. Collection method: clinical testing. Allele origin: germline.
Comment: The p.I961M variant (also known as c.2883T>G), located in coding exon 18 of the RAD50 gene, results from a T to G substitution at nucleotide position 2883. The isoleucine at codon 961 is replaced by methionine, an amino acid with highly similar properties. This amino acid position is conserved. In addition, the in silico prediction for this alteration is inconclusive. Since supporting evidence is limited at this time, the clinical significance of this alteration remains unclear.

Labcorp Genetics (formerly Invitae), Labcorp
Classification: Uncertain significance for Hereditary cancer-predisposing syndrome. Last evaluated: 2023-08-01. Review status: criteria provided, single submitter. Criteria: Invitae Variant Classification Sherloc (09022015). Collection method: clinical testing. Allele origin: germline.
Comment: In summary, the available evidence is currently insufficient to determine the role of this variant in disease. Therefore, it has been classified as a Variant of Uncertain Significance. Advanced modeling of protein sequence and biophysical properties (such as structural, functional, and spatial information, amino acid conservation, physicochemical variation, residue mobility, and thermodynamic stability) performed at Invitae indicates that this missense variant is not expected to disrupt RAD50 protein function. ClinVar contains an entry for this variant (Variation ID: 661916). This variant has not been reported in the literature in individuals affected with RAD50-related conditions. This variant is not present in population databases (gnomAD no frequency). This sequence change replaces isoleucine, which is neutral and non-polar, with methionine, which is neutral and non-polar, at codon 961 of the RAD50 protein (p.Ile961Met).